The following is an entry in ClinVar:

NM_007294.4(BRCA1):c.982T>G (p.Cys328Gly)

Gene: BRCA1 (BRCA1 DNA repair associated; minus strand). Cytogenetic location: 17q21.31.
Variant type: single nucleotide variant.
Coding change: c.982T>G on transcript NM_007294.4 (MANE Select); coding-DNA position 982, T replaced by G.
Protein change: p.Cys328Gly; replaces cysteine 328 with glycine.
Molecular consequence: missense variant. On other transcripts: intron variant (137).
Genome position (GRCh38, 1-based): chr17:43,094,549, A>C on the plus strand (T>G on the coding strand, the complement: BRCA1 is on the minus strand). VCF-style: chr17-43094549-A-C. GRCh37 (hg19) VCF-style: chr17-41246566-A-C.
Other names: c.841T>G, p.Cys281Gly (NM_001407750.1, NM_001407751.1, NM_001407752.1 and 29 more transcripts); c.838T>G, p.Cys280Gly (NM_001407838.1, NM_001407839.1, NM_001407841.1 and 20 more transcripts); c.769T>G, p.Cys257Gly (NM_001407571.1, NM_001407853.1, NM_001407894.1 and 9 more transcripts); c.982T>G, p.Cys328Gly (NM_001407581.1, NM_001407582.1, NM_001407583.1 and 30 more transcripts); c.979T>G, p.Cys327Gly (NM_001407587.1, NM_001407590.1, NM_001407591.1 and 22 more transcripts); c.973T>G, p.Cys325Gly (NM_001407646.1, NM_001407647.1); c.859T>G, p.Cys287Gly (NM_001407648.1, NM_001407664.1, NM_001407665.1 and 19 more transcripts); c.856T>G, p.Cys286Gly (NM_001407649.1, NM_001407670.1, NM_001407671.1 and 11 more transcripts); and 40 more; short protein forms C328G, C281G, C216G, C217G, C261G, C287G, C301G, C32G.
Identifiers: ClinVar variation 566912 (VCV000566912.13), dbSNP rs748156170, ClinGen allele CA10600095.

ClinVar aggregate classification (germline): Conflicting classifications of pathogenicity. Review status: criteria provided, conflicting classifications (1 of 4 stars). 3 submissions from 3 submitters: Uncertain significance (2); Likely benign (1). Last evaluated 2025-04-20.

Conditions:
Hereditary cancer-predisposing syndrome. Also called: Neoplastic Syndromes, Hereditary; Tumor predisposition; Hereditary neoplastic syndrome; Hereditary Cancer Syndrome. Identifiers: Orphanet 140162, MedGen C0027672, MeSH D009386, MONDO:0015356.
Hereditary breast ovarian cancer syndrome. Also called: Hereditary breast and ovarian cancer syndrome (HBOC); Hereditary breast and ovarian cancer; Hereditary breast and/or ovarian cancer syndrome; Hereditary breast and ovarian cancer syndrome; Breast and ovarian cancer; BRCA1- and BRCA2-Associated Hereditary Breast and Ovarian Cancer. Identifiers: Orphanet 145, MedGen C0677776, MeSH D061325, MONDO:0003582. Disease mechanism: loss of function.

Submissions (3):

Labcorp Genetics (formerly Invitae), Labcorp
Classification: Uncertain significance for Hereditary breast ovarian cancer syndrome. Last evaluated: 2025-04-20. Review status: criteria provided, single submitter. Criteria: Invitae Variant Classification Sherloc (09022015). Collection method: clinical testing. Allele origin: germline.
Comment: This sequence change replaces cysteine, which is neutral and slightly polar, with glycine, which is neutral and non-polar, at codon 328 of the BRCA1 protein (p.Cys328Gly). This variant is not present in population databases (gnomAD no frequency). This variant has not been reported in the literature in individuals affected with BRCA1-related conditions. ClinVar contains an entry for this variant (Variation ID: 566912). Invitae Evidence Modeling of protein sequence and biophysical properties (such as structural, functional, and spatial information, amino acid conservation, physicochemical variation, residue mobility, and thermodynamic stability) has been performed for this missense variant. However, the output from this modeling did not meet the statistical confidence thresholds required to predict the impact of this variant on BRCA1 protein function. In summary, the available evidence is currently insufficient to determine the role of this variant in disease. Therefore, it has been classified as a Variant of Uncertain Significance.

University of Washington Department of Laboratory Medicine, University of Washington
Classification: Likely benign for Hereditary cancer-predisposing syndrome. Last evaluated: 2023-03-23. Review status: criteria provided, single submitter. Criteria: Dines et al. (Genet Med. 2020). Collection method: curation. Allele origin: germline.
Comment: Missense variant in a coldspot region where missense variants are very unlikely to be pathogenic (PMID:31911673).

BRCA1 coldspot (exon 11 using historical exon numbering). Reclassification based on statistical prior probability

Quest Diagnostics Nichols Institute San Juan Capistrano
Classification: Uncertain significance. Last evaluated: 2018-01-12. Review status: criteria provided, single submitter. Criteria: Quest Diagnostics criteria. Collection method: clinical testing. Allele origin: germline.